The following is an entry in ClinVar:

ClinVar aggregate classification (germline): Benign. Review status: reviewed by expert panel (3 of 4 stars). 9 submissions from 9 submitters: Benign (1). 8 of the submissions do not count toward it. Last evaluated 2023-02-02.

Conditions:
Glanzmann thrombasthenia. Also called: THROMBASTHENIA OF GLANZMANN AND NAEGELI; PLATELET GLYCOPROTEIN IIb-IIIa DEFICIENCY; Thrombasthenia; Glanzmann's thrombasthenia. Identifiers: Orphanet 849, MedGen C0040015, MONDO:0100326.

Allele frequency attached by ClinVar (database versions not stated): 1000 Genomes Project 0.00459; 1000 Genomes Project 30x 0.00562; TOPMed 0.00867; gnomAD exomes 0.00915 and 0.01175; gnomAD 0.00923 and 0.00936; ExAC 0.00947; ESP Exome Variant Server 0.00977.
gnomAD v4.1: 18,410 of 1,613,706 alleles (1.1%); highest among the groups gnomAD compares: Non-Finnish European, 1.4%; 144 homozygotes.

Submissions (9):

ClinGen Platelet Disorders Variant Curation Expert Panel, ClinGen
Classification: Benign for Glanzmann thrombasthenia. Last evaluated: 2023-02-02. Review status: reviewed by expert panel. Criteria: ClinGen Platelet ACMG Specifications v2-1. Collection method: curation. Allele origin: germline. Inheritance: Autosomal recessive inheritance.
Comment: The NM_000419.5:c.439C>G variant in ITGA2B is a missense variant predicted to cause substitution of Leucine by Valine at amino acid 147 (p.Leu147Val). The highest population minor allele frequency in gnomAD v2.1.1 is 0.01420 (1822/128308 alleles) in the European (non-Finnish) population, which is higher than the ClinGen PD VCEP threshold (>0.0024) for BA1, and therefore meets this criterion (BA1). The computational predictor REVEL gives a score of 0.053, which is below the ClinGen PD VCEP threshold of <0.25 and predicts no damaging effect on ITGA2B function (BP4). This variant is also classified as Benign/Likely benign in ClinVar and was observed as part of a predisposition screen in an ostensibly healthy population by Illumina. In summary, this variant meets the criteria to be classified as Benign for autosomal recessive Glanzmann Thrombasthenia based on the ACMG/AMP criteria applied, as specified by the ClinGen PD VCEP: BA1 and BP4 (VCEP specifications version 2).

CeGaT Center for Human Genetics Tuebingen
Classification: Benign. Last evaluated: 2026-07-01. Review status: criteria provided, single submitter. Criteria: CeGaT Center For Human Genetics Tuebingen Variant Classification Criteria Version 2. Collection method: clinical testing. Allele origin: germline. Affected: yes. Observed: 14 variant alleles. Not counted in ClinVar's aggregate classification.
Comment: ITGA2B: BP4, BS1, BS2

Labcorp Genetics (formerly Invitae), Labcorp
Classification: Benign for Glanzmann thrombasthenia. Last evaluated: 2026-01-28. Review status: criteria provided, single submitter. Criteria: Invitae Variant Classification Sherloc (09022015). Collection method: clinical testing. Allele origin: germline. Not counted in ClinVar's aggregate classification.

Mayo Clinic Laboratories, Mayo Clinic
Classification: Benign. Last evaluated: 2025-09-16. Review status: criteria provided, single submitter. Criteria: ACMG Guidelines, 2015. Collection method: clinical testing. Allele origin: germline. Observed: 16 variant alleles. Not counted in ClinVar's aggregate classification.
Comment: BA1, BP4_moderate

Blueprint Genetics
Classification: Likely benign. Last evaluated: 2024-11-26. Review status: criteria provided, single submitter. Criteria: ACMG Guidelines, 2015. Collection method: clinical testing. Allele origin: germline. Not counted in ClinVar's aggregate classification.

Genetic Services Laboratory, University of Chicago
Classification: Benign. Last evaluated: 2020-06-10. Review status: criteria provided, single submitter. Criteria: ACMG Guidelines, 2015. Collection method: clinical testing. Allele origin: germline. Affected: no. Not counted in ClinVar's aggregate classification.

Illumina Laboratory Services, Illumina
Classification: Likely benign for Glanzmann thrombasthenia 1. Last evaluated: 2017-04-27. Review status: criteria provided, single submitter. Criteria: ICSL Variant Classification Criteria 13 December 2019. Collection method: clinical testing. Allele origin: germline. Not counted in ClinVar's aggregate classification.
Comment: This variant was observed as part of a predisposition screen in an ostensibly healthy population. A literature search was performed for the gene, cDNA change, and amino acid change (where applicable). Publications were found based on this search. The evidence from the literature, in combination with allele frequency data from public databases where available, was sufficient to determine this variant is unlikely to cause disease. Therefore, this variant is classified as likely benign.

Breakthrough Genomics
Classification: Likely benign. Review status: criteria provided, single submitter. Criteria: ACMG Guidelines, 2015. Collection method: not provided. Allele origin: germline. Inheritance: Autosomal recessive inheritance. Affected: yes. Not counted in ClinVar's aggregate classification.

PreventionGenetics, part of Exact Sciences
Classification: Benign. Review status: criteria provided, single submitter. Criteria: ACMG Guidelines, 2015. Collection method: clinical testing. Allele origin: germline. Not counted in ClinVar's aggregate classification.

Literature cited by the submitters: PubMed 17488698 (cited by Illumina Laboratory Services, Illumina); PubMed 12487785 (cited by Illumina Laboratory Services, Illumina).

NM_000419.5(ITGA2B):c.439C>G (p.Leu147Val)

Gene: ITGA2B (integrin subunit alpha 2b; minus strand). Cytogenetic location: 17q21.31.
Variant type: single nucleotide variant.
Coding change: c.439C>G on transcript NM_000419.5 (MANE Select); coding-DNA position 439, C replaced by G.
Protein change: p.Leu147Val; replaces leucine 147 with valine.
Molecular consequence: missense variant.
Genome position (GRCh38, 1-based): chr17:44,385,686, G>C on the plus strand (C>G on the coding strand, the complement: ITGA2B is on the minus strand). VCF-style: chr17-44385686-G-C. GRCh37 (hg19) VCF-style: chr17-42463054-G-C.
Other names: NM_000419.3(ITGA2B):c.439C>G; p.Leu147Val; c.439C>G (LRG_479t1); short protein forms L147V.
Identifiers: ClinVar variation 242484 (VCV000242484.50), dbSNP rs76066357, ClinGen allele CA351291.